The following is an entry in ClinVar:

NM_004972.4(JAK2):c.2271G>A (p.Leu757=)

Genes: INSL6 (insulin like 6; minus strand), JAK2 (Janus kinase 2; plus strand). Cytogenetic location: 9p24.1.
Variant type: single nucleotide variant.
Coding change: c.2271G>A on transcript NM_004972.4 (MANE Select); coding-DNA position 2271, G replaced by A.
Protein change: p.Leu757=; no amino-acid change (leucine 757 retained).
Molecular consequence: synonymous variant. On other transcripts: non-coding transcript variant (2).
Genome position (GRCh38, 1-based): chr9:5,080,368, G>A. VCF-style: chr9-5080368-G-A. GRCh37 (hg19) VCF-style: chr9-5080368-G-A.
Other names: c.2271G>A, p.Leu757= (NM_001322194.2, NM_001322195.2, NM_001322196.2); c.1056G>A, p.Leu352= (NM_001322198.2, NM_001322199.2); c.1824G>A, p.Leu608= (NM_001322204.2).
Identifiers: ClinVar variation 1976019 (VCV001976019.5), dbSNP rs2489076299, ClinGen allele CA463756302.
Genomic context (GRCh38, chr9:5,080,368, plus strand): 5'-GAGTTTTGGTACCACTTTGTGGGAAATCTGCAGTGGAGGAGATAAACCTCTAAGTGCTCT[G>A]GATTCTCAAAGAGTAAGTTTATATAGACTAAGTTAGAATTACTCTATCTCTGAACTTTCA-3'
Protein context (NP_004963.1, residues 747-767): CSGGDKPLSA[Leu757=]DSQRKLQFYE

ClinVar aggregate classification (germline): Uncertain significance (1 of 4 stars; one submission).

Submission:

Labcorp Genetics (formerly Invitae), Labcorp
Classification: Uncertain significance. Last evaluated: 2025-03-03. Review status: criteria provided, single submitter. Criteria: Invitae Variant Classification Sherloc (09022015). Collection method: clinical testing. Allele origin: germline.
Comment: This sequence change affects codon 757 of the JAK2 mRNA. It is a 'silent' change, meaning that it does not change the encoded amino acid sequence of the JAK2 protein. This variant is not present in population databases (gnomAD no frequency). This variant has not been reported in the literature in individuals affected with JAK2-related conditions. ClinVar contains an entry for this variant (Variation ID: 1976019). Algorithms developed to predict the effect of sequence changes on RNA splicing suggest that this variant may disrupt the consensus splice site. In summary, the available evidence is currently insufficient to determine the role of this variant in disease. Therefore, it has been classified as a Variant of Uncertain Significance.